The following is an entry in ClinVar:

ClinVar aggregate classification (germline): Uncertain significance (1 of 4 stars; one submission).

Conditions:
Coffin-Siris syndrome 6. Identifiers: MedGen C4540499, MONDO:0033492, OMIM 617808.

Submission:

Juno Genomics, Hangzhou Juno Genomics, Inc
Classification: Uncertain significance for Coffin-Siris syndrome 6. Review status: criteria provided, single submitter. Criteria: ACMG Guidelines, 2015. Collection method: clinical testing. Allele origin: germline.
Comment: Null variant in a gene where loss of function (LOF) is a known mechanism of disease.;Absent from controls (or at extremely low frequency if recessive) in Genome Aggregation Database.

NM_152641.4(ARID2):c.1121-2A>C

Gene: ARID2 (AT-rich interaction domain 2; plus strand). Cytogenetic location: 12q12.
Variant type: single nucleotide variant.
Coding change: c.1121-2A>C on transcript NM_152641.4 (MANE Select); the canonical splice acceptor site of the intron before coding-DNA position 1121, A replaced by C.
Molecular consequence: splice acceptor variant.
Genome position (GRCh38, 1-based): chr12:45,837,496, A>C. VCF-style: chr12-45837496-A-C. GRCh37 (hg19) VCF-style: chr12-46231279-A-C.
Other names: c.1121-2A>C (NM_001347839.2).
Identifiers: ClinVar variation 5005101 (VCV005005101.2).